The following is an entry in ClinVar:

ClinVar aggregate classification (germline): Uncertain significance. Review status: criteria provided, multiple submitters, no conflicts (2 of 4 stars). 4 submissions from 4 submitters: Uncertain significance (4). Last evaluated 2026-02-04.

Conditions:
POT1-related disorder. Also called: POT1-related condition.
Tumor predisposition syndrome 3 (TPDS3). Also called: Glioma susceptibility 9; LONG TELOMERE SYNDROME, POT1-RELATED; POT1 Tumor Predisposition; Melanoma, cutaneous malignant, susceptibility to, 10. Identifiers: Orphanet 618, MedGen C4014476, MONDO:0014368, OMIM 615848.
Hereditary cancer-predisposing syndrome. Also called: Tumor predisposition; Hereditary neoplastic syndrome; Hereditary Cancer Syndrome; Neoplastic Syndromes, Hereditary. Identifiers: Orphanet 140162, MedGen C0027672, MeSH D009386, MONDO:0015356.

Allele frequency attached by ClinVar (database versions not stated): gnomAD exomes below 0.00001; gnomAD 0.00002; TOPMed 0.00004.
gnomAD v4.1: 5 of 1,613,222 alleles (0.00031%); highest among the groups gnomAD compares: Admixed American, 0.0017%; no homozygotes.

Submissions (4):

PreventionGenetics, part of Exact Sciences
Classification: Uncertain significance for POT1-related condition. Last evaluated: 2026-02-04. Review status: criteria provided, single submitter. Criteria: ACMG Guidelines, 2015. Collection method: clinical testing. Allele origin: germline.
Comment: The POT1 c.814G>A variant is predicted to result in the amino acid substitution p.Gly272Ser. To our knowledge, this variant has not been reported in the literature or in a large population database (gnomAD), indicating this variant is rare. It is classified as uncertain in ClinVar (Variation ID: 659943). At this time, the clinical significance of this variant is uncertain due to the absence of conclusive functional and genetic evidence.

Labcorp Genetics (formerly Invitae), Labcorp
Classification: Uncertain significance for Tumor predisposition syndrome 3. Last evaluated: 2025-09-22. Review status: criteria provided, single submitter. Criteria: Invitae Variant Classification Sherloc (09022015). Collection method: clinical testing. Allele origin: germline.
Comment: This sequence change replaces glycine, which is neutral and non-polar, with serine, which is neutral and polar, at codon 272 of the POT1 protein (p.Gly272Ser). This variant is not present in population databases (gnomAD no frequency). This variant has not been reported in the literature in individuals affected with POT1-related conditions. ClinVar contains an entry for this variant (Variation ID: 659943). Invitae Evidence Modeling of protein sequence and biophysical properties (such as structural, functional, and spatial information, amino acid conservation, physicochemical variation, residue mobility, and thermodynamic stability) indicates that this missense variant is not expected to disrupt POT1 protein function with a negative predictive value of 80%. In summary, the available evidence is currently insufficient to determine the role of this variant in disease. Therefore, it has been classified as a Variant of Uncertain Significance.

Ambry Genetics
Classification: Uncertain significance for Hereditary cancer-predisposing syndrome. Last evaluated: 2025-04-24. Review status: criteria provided, single submitter. Criteria: Ambry Variant Classification Scheme 2023. Collection method: clinical testing. Allele origin: germline.
Comment: The p.G272S variant (also known as c.814G>A), located in coding exon 6 of the POT1 gene, results from a G to A substitution at nucleotide position 814. The glycine at codon 272 is replaced by serine, an amino acid with similar properties. This amino acid position is highly conserved in available vertebrate species. In addition, the in silico prediction for this alteration is inconclusive. Since supporting evidence is limited at this time, the clinical significance of this alteration remains unclear.

GeneDx
Classification: Uncertain significance. Last evaluated: 2023-11-01. Review status: criteria provided, single submitter. Criteria: GeneDx Variant Classification Process June 2021. Collection method: clinical testing. Allele origin: germline. Affected: yes.
Comment: Not observed at significant frequency in large population cohorts (gnomAD); In silico analysis supports that this missense variant has a deleterious effect on protein structure/function; Has not been previously published as pathogenic or benign to our knowledge; This variant is associated with the following publications: (PMID: 24127483, 27528712, 28393830)

NM_015450.3(POT1):c.814G>A (p.Gly272Ser)

Gene: POT1 (protection of telomeres 1; minus strand). Cytogenetic location: 7q31.33.
Variant type: single nucleotide variant.
Coding change: c.814G>A on transcript NM_015450.3 (MANE Select); coding-DNA position 814, G replaced by A.
Protein change: p.Gly272Ser; replaces glycine 272 with serine.
Molecular consequence: missense variant. On other transcripts: non-coding transcript variant (3).
Genome position (GRCh38, 1-based): chr7:124,853,027, C>T on the plus strand (G>A on the coding strand, the complement: POT1 is on the minus strand). VCF-style: chr7-124853027-C-T. GRCh37 (hg19) VCF-style: chr7-124493081-C-T.
Other names: c.421G>A, p.Gly141Ser (NM_001042594.2); short protein forms G141S, G272S.
Identifiers: ClinVar variation 659943 (VCV000659943.18), dbSNP rs781279819, ClinGen allele CA166065174.